The following is an entry in ClinVar:

NM_030957.4(ADAMTS10):c.1798-6C>T

Gene: ADAMTS10 (ADAM metallopeptidase with thrombospondin type 1 motif 10; minus strand). Cytogenetic location: 19p13.2.
Variant type: single nucleotide variant.
Coding change: c.1798-6C>T on transcript NM_030957.4 (MANE Select); 6 bases into the intron before coding-DNA position 1798, C replaced by T.
Molecular consequence: intron variant.
Genome position (GRCh38, 1-based): chr19:8,589,997, G>A on the plus strand (C>T on the coding strand, the complement: ADAMTS10 is on the minus strand). VCF-style: chr19-8589997-G-A. GRCh37 (hg19) VCF-style: chr19-8654881-G-A.
Other names: c.270-6C>T (NM_001282352.2).
Identifiers: ClinVar variation 788140 (VCV000788140.40), dbSNP rs186791828, ClinGen allele CA9160345.

ClinVar aggregate classification (germline): Benign/Likely benign. Review status: criteria provided, multiple submitters, no conflicts (2 of 4 stars). 5 submissions from 5 submitters: Benign (1); Likely benign (4). Last evaluated 2026-04-01.

Conditions:
Weill-Marchesani syndrome. Also called: WM Syndrome; Mesodermal dysmorphodystrophy congenital. Identifiers: Orphanet 3449, MedGen C0265313, MONDO:0018096.

Allele frequency attached by ClinVar (database versions not stated): gnomAD 0.00064 and 0.00097; TOPMed 0.00077; ESP Exome Variant Server 0.00092; gnomAD exomes 0.00111 and 0.00126; ExAC 0.00158; 1000 Genomes Project 30x 0.00375; 1000 Genomes Project 0.00379.
gnomAD v4.1: 1,768 of 1,608,562 alleles (0.11%); highest among the groups gnomAD compares: South Asian, 0.74%; 15 homozygotes.

Submissions (5):

CeGaT Center for Human Genetics Tuebingen
Classification: Likely benign. Last evaluated: 2026-04-01. Review status: criteria provided, single submitter. Criteria: CeGaT Center For Human Genetics Tuebingen Variant Classification Criteria Version 2. Collection method: clinical testing. Allele origin: germline. Affected: yes. Observed: 2 variant alleles.
Comment: ADAMTS10: BP4, BS2

Labcorp Genetics (formerly Invitae), Labcorp
Classification: Benign. Last evaluated: 2026-02-03. Review status: criteria provided, single submitter. Criteria: Invitae Variant Classification Sherloc (09022015). Collection method: clinical testing. Allele origin: germline.

Blueprint Genetics
Classification: Likely benign. Last evaluated: 2024-11-26. Review status: criteria provided, single submitter. Criteria: ACMG Guidelines, 2015. Collection method: clinical testing. Allele origin: germline.

Illumina Laboratory Services, Illumina
Classification: Likely benign for Weill-Marchesani syndrome. Last evaluated: 2018-01-13. Review status: criteria provided, single submitter. Criteria: ICSL Variant Classification Criteria 13 December 2019. Collection method: clinical testing. Allele origin: germline.
Comment: This variant was observed in the ICSL laboratory as part of a predisposition screen in an ostensibly healthy population. It had not been previously curated by ICSL or reported in the Human Gene Mutation Database (HGMD: prior to June 1st, 2018), and was therefore a candidate for classification through an automated scoring system. Utilizing variant allele frequency, disease prevalence and penetrance estimates, and inheritance mode, an automated score was calculated to assess if this variant is too frequent to cause the disease. Based on the score and internal cut-off values, a variant classified as likely benign is not then subjected to further curation. The score for this variant resulted in a classification of likely benign for this disease.

Breakthrough Genomics
Classification: Likely benign. Review status: criteria provided, single submitter. Criteria: ACMG Guidelines, 2015. Collection method: not provided. Allele origin: germline. Inheritance: Autosomal recessive inheritance. Affected: yes.